The following is an entry in ClinVar:

NM_004963.4(GUCY2C):c.3034A>G (p.Thr1012Ala)

Genes: GUCY2C (guanylate cyclase 2C; minus strand), PLBD1-AS1 (PLBD1 antisense RNA 1; plus strand), LOC130007489 (ATAC-STARR-seq lymphoblastoid silent region 4275; plus strand). Cytogenetic location: 12p12.3.
Variant type: single nucleotide variant.
Coding change: c.3034A>G on transcript NM_004963.4 (MANE Select); coding-DNA position 3034, A replaced by G.
Protein change: p.Thr1012Ala; replaces threonine 1012 with alanine.
Molecular consequence: missense variant.
Genome position (GRCh38, 1-based): chr12:14,614,880, T>C on the plus strand (A>G on the coding strand, the complement: GUCY2C is on the minus strand). VCF-style: chr12-14614880-T-C. GRCh37 (hg19) VCF-style: chr12-14767814-T-C.
Other names: short protein forms T1012A.
Identifiers: ClinVar variation 4699969 (VCV004699969.1).
Genomic context (GRCh38, chr12:14,614,880, plus strand): 5'-CAAGATCTCTAATTTCCTCCCTGTCCCTGCCACACCCAGAAGCTTACACAGTAGGAGGGG[T>C]TGGCAGGTTGAATTTCTGGTCCTTCATCCCAGTCAGCCAGTAGGTAGTCTCATTTCCTCT-3'
Protein context (NP_004954.2, residues 1002-1022): GMKDQKFNLP[Thr1012Ala]PPTVENQQRL

ClinVar aggregate classification (germline): Uncertain significance (1 of 4 stars; one submission).

gnomAD v4.1: 5 of 1,586,666 alleles (0.00032%); highest among the groups gnomAD compares: Admixed American, 0.0036%; no homozygotes.

Submission:

Labcorp Genetics (formerly Invitae), Labcorp
Classification: Uncertain significance. Last evaluated: 2026-01-09. Review status: criteria provided, single submitter. Criteria: Invitae Variant Classification Sherloc (09022015). Collection method: clinical testing. Allele origin: germline.
Comment: This sequence change replaces threonine, which is neutral and polar, with alanine, which is neutral and non-polar, at codon 1012 of the GUCY2C protein (p.Thr1012Ala). The frequency data for this variant in the population databases is considered unreliable, as metrics indicate poor data quality at this position in the gnomAD database. This variant has not been reported in the literature in individuals affected with GUCY2C-related conditions. An algorithm developed to predict the effect of missense changes on protein structure and function outputs the following: PolyPhen-2: "Benign". The alanine amino acid residue is found in multiple mammalian species, which suggests that this missense change does not adversely affect protein function. In summary, the available evidence is currently insufficient to determine the role of this variant in disease. Therefore, it has been classified as a Variant of Uncertain Significance.